The following is an entry in ClinVar:

ClinVar aggregate classification (germline): Likely pathogenic. Review status: criteria provided, multiple submitters, no conflicts (2 of 4 stars). 2 submissions from 2 submitters: Likely pathogenic (2). Last evaluated 2025-07-21.

Conditions:
Megacystis-microcolon-intestinal hypoperistalsis syndrome 5. Identifiers: MedGen C5543636, MONDO:0030329, OMIM 619431.

Submissions (2):

3billion
Classification: Likely pathogenic for Megacystis-microcolon-intestinal hypoperistalsis syndrome 5. Last evaluated: 2025-07-21. Review status: criteria provided, single submitter. Criteria: ACMG Guidelines, 2015. Collection method: clinical testing. Allele origin: germline. Affected: yes.
Comment: The variant is not observed in the gnomAD v4.1.0 dataset. Predicted Consequence/Location: Missense variant. Missense changes are a common disease-causing mechanism. In silico tool predictions suggest damaging effect of the variant on gene or gene product [REVEL: 0.91 (>=0.6, sensitivity 0.68 and specificity 0.92); 3Cnet: 0.99 (> 0.75, sensitivity 0.96 and precision 0.92)]. The same nucleotide change resulting in the same amino acid change has been previously reported to be associated with ACTG2-related disorder (ClinVar ID: VCV001709289).Different missense changes at the same codon (p.Arg63Gln, p.Arg63Gly) have been reported as pathogenic/likely pathogenic with strong evidence (ClinVar ID: VCV000218310, VCV000694269 /PMID: 26647307 /3billion dataset). Therefore, this variant is classified as Likely pathogenic according to the recommendation of ACMG/AMP guideline.

MGZ Medical Genetics Center
Classification: Likely pathogenic for Megacystis-microcolon-intestinal hypoperistalsis syndrome 5. Last evaluated: 2022-03-04. Review status: criteria provided, single submitter. Criteria: ACMG Guidelines, 2015. Collection method: clinical testing. Allele origin: germline. Affected: yes. Observed: 1 variant allele.
Comment: ACMG criteria applied: PS2, PM5, PM2_SUP, PP2, PP3

Literature cited by the submitters: PubMed 26647307 (cited by 3billion).

NM_001615.4(ACTG2):c.188G>T (p.Arg63Leu)

Gene: ACTG2 (actin gamma 2, smooth muscle; plus strand). Cytogenetic location: 2p13.1.
Variant type: single nucleotide variant.
Coding change: c.188G>T on transcript NM_001615.4 (MANE Select); coding-DNA position 188, G replaced by T.
Protein change: p.Arg63Leu; replaces arginine 63 with leucine.
Molecular consequence: missense variant. On other transcripts: intron variant (1).
Genome position (GRCh38, 1-based): chr2:73,902,421, G>T. VCF-style: chr2-73902421-G-T. GRCh37 (hg19) VCF-style: chr2-74129548-G-T.
Other names: c.126+984G>T (NM_001199893.2); short protein forms R63L.
Identifiers: ClinVar variation 1709289 (VCV001709289.2), dbSNP rs1573462811, ClinGen allele CA347302288.